The following is an entry in ClinVar:

ClinVar aggregate classification (germline): Uncertain significance (1 of 4 stars; one submission).

Conditions:
Inborn genetic diseases. Identifiers: MedGen C0950123, MeSH D030342.

Submission:

Ambry Genetics
Classification: Uncertain significance for Inborn genetic diseases. Last evaluated: 2026-03-29. Review status: criteria provided, single submitter. Criteria: Ambry Variant Classification Scheme 2023. Collection method: clinical testing. Allele origin: germline.
Comment: The p.C184Y variant (also known as c.551G>A), located in coding exon 3 of the MBD4 gene, results from a G to A substitution at nucleotide position 551. The cysteine at codon 184 is replaced by tyrosine, an amino acid with highly dissimilar properties. This amino acid position is conserved. In addition, this alteration is predicted to be tolerated by in silico analysis. Based on the available evidence, the clinical significance of this variant remains unclear.

NM_001276270.2(MBD4):c.551G>A (p.Cys184Tyr)

Gene: MBD4 (methyl-CpG binding domain 4, DNA glycosylase; minus strand). Cytogenetic location: 3q21.3.
Variant type: single nucleotide variant.
Coding change: c.551G>A on transcript NM_001276270.2 (MANE Select); coding-DNA position 551, G replaced by A.
Protein change: p.Cys184Tyr; replaces cysteine 184 with tyrosine.
Molecular consequence: missense variant. On other transcripts: intron variant (1).
Genome position (GRCh38, 1-based): chr3:129,437,093, C>T on the plus strand (G>A on the coding strand, the complement: MBD4 is on the minus strand). VCF-style: chr3-129437093-C-T. GRCh37 (hg19) VCF-style: chr3-129155936-C-T.
Other names: c.551G>A, p.Cys184Tyr (NM_001276271.2, NM_001276272.2, NM_003925.3); c.247+715G>A (NM_001276273.2); short protein forms C184Y.
Identifiers: ClinVar variation 4859570 (VCV004859570.1).